The following is an entry in ClinVar:

ClinVar aggregate classification (germline): Uncertain significance (1 of 4 stars; one submission).

Conditions:
VPS13B-related disorder. Also called: VPS13B-related condition.

Submission:

PreventionGenetics, part of Exact Sciences
Classification: Uncertain significance for VPS13B-related condition. Last evaluated: 2025-03-17. Review status: criteria provided, single submitter. Criteria: ACMG Guidelines, 2015. Collection method: clinical testing. Allele origin: germline.
Comment: The VPS13B c.11353A>T variant is predicted to result in the amino acid substitution p.Ile3785Phe. To our knowledge, this variant has not been reported in the literature or in a large population database (gnomAD), indicating this variant is rare. At this time, the clinical significance of this variant is uncertain due to the absence of conclusive functional and genetic evidence.

NM_152564.5(VPS13B):c.11353A>T (p.Ile3785Phe)

Gene: VPS13B (vacuolar protein sorting 13 homolog B; plus strand). Cytogenetic location: 8q22.2.
Variant type: single nucleotide variant.
Coding change: c.11353A>T on transcript NM_152564.5 (MANE Select); coding-DNA position 11353, A replaced by T.
Protein change: p.Ile3785Phe; replaces isoleucine 3785 with phenylalanine.
Molecular consequence: missense variant.
Genome position (GRCh38, 1-based): chr8:99,868,426, A>T. VCF-style: chr8-99868426-A-T. GRCh37 (hg19) VCF-style: chr8-100880654-A-T.
Other names: c.11428A>T, p.Ile3810Phe (NM_017890.5); short protein forms I3785F, I3810F.
Identifiers: ClinVar variation 4996980 (VCV004996980.1).